The following is an entry in ClinVar:

NM_014727.3(KMT2B):c.2437_2439del (p.Lys813del)

Gene: KMT2B (lysine methyltransferase 2B; plus strand). Cytogenetic location: 19q13.12.
Variant type: Deletion.
Coding change: c.2437_2439del on transcript NM_014727.3 (MANE Select); coding-DNA positions 2437 to 2439, 3 bases deleted (AAG; older notation c.2437_2439delAAG).
Protein change: p.Lys813del; deletes lysine 813.
Molecular consequence: inframe deletion.
Genome position (GRCh38, 1-based): chr19:35,721,784-35,721,786, AAG deleted; deleting any 3 consecutive bases within chr19:35,721,782-35,721,786 gives the same sequence; the c. name uses the placement nearest the transcript's 3' end. VCF-style (leftmost placement, unchanged base first): chr19-35721781-CAGA-C. GRCh37 (hg19) VCF-style: chr19-36212683-CAGA-C.
Other names: short protein forms K813del.
Identifiers: ClinVar variation 5005965 (VCV005005965.2).

ClinVar aggregate classification (germline): Uncertain significance (1 of 4 stars; one submission).

Conditions:
Dystonia 28, childhood-onset (DYT28). Also called: KMT2B-Related Dystonia (DYT-KMT2B). Identifiers: Orphanet 589618, MedGen C4310633, MONDO:0015004, OMIM 617284.
Intellectual developmental disorder, autosomal dominant 68 (MRD68). Also called: MENTAL RETARDATION, AUTOSOMAL DOMINANT 68. Identifiers: MedGen C5677008, MONDO:0030969, OMIM 619934.

Submission:

Juno Genomics, Hangzhou Juno Genomics, Inc
Classification: Uncertain significance for Dystonia 28, childhood-onset; Intellectual developmental disorder, autosomal dominant 68. Review status: criteria provided, single submitter. Criteria: ACMG Guidelines, 2015. Collection method: clinical testing. Allele origin: germline.
Comment: Absent from controls (or at extremely low frequency if recessive) in Genome Aggregation Database.;Protein length changes due to in-frame deletions/insertions in a non-repeat region or stop-loss variants.